The following is an entry in ClinVar:

ClinVar aggregate classification (germline): Pathogenic (1 of 4 stars; one submission).

Conditions:
WHIM syndrome 1 (WHIMS). Identifiers: Orphanet 51636, MedGen C5542296, MONDO:8000006, OMIM 193670.

Submission:

Research Department, X4 Pharmaceuticals (Austria) GmbH
Classification: Pathogenic for WHIM syndrome 1. Last evaluated: 2025-06-03. Review status: criteria provided, single submitter. Criteria: ACMG Guidelines, 2015. Collection method: curation, in vitro. Allele origin: germline, not applicable. Inheritance: Autosomal dominant inheritance. Affected: yes. Observed: 2 variant alleles, 2 heterozygotes. Clinical features observed: Decreased total neutrophil count (HP:0001875), Decreased total lymphocyte count (HP:0001888), Recurrent infections (HP:0002719), Myelokathexis (HP:0031160), Abnormal circulating immunoglobulin concentration (HP:0010701). Functional consequence: gain_of_function_variant.
Comment: The p.Glu345Valfs*12 frameshift variant has been observed in individuals with clinical features of WHIM syndrome (PMID: 35493524).It has been observed to segregate with disease in related individuals. This variant is located in a region of the CXCR4 protein where a significant number of CXCR4 nonsense and frameshift mutations have been reported in association with autosomal dominant WHIM syndrome (PMID: 31313072, 32784523, 35947323, 39040098). Experimental studies have shown that this missense change affects CXCR4 function. This variant is not present in population databases (gnomAD no frequency).

Literature cited by the submitters: PubMed 35493524.

NM_003467.3(CXCR4):c.1032_1033del (p.Glu345fs)

Gene: CXCR4 (C-X-C motif chemokine receptor 4; minus strand). Cytogenetic location: 2q22.1.
Variant type: Deletion.
Coding change: c.1032_1033del on transcript NM_003467.3 (MANE Select); coding-DNA positions 1032 to 1033, 2 bases deleted (TG; older notation c.1032_1033delTG).
Protein change: p.Glu345fs; shifts the reading frame from glutamic acid 345.
Molecular consequence: frameshift variant.
Genome position (GRCh38, 1-based): chr2:136,114,895-136,114,896, CA deleted on the plus strand (TG on the coding strand, the reverse complement: CXCR4 is on the minus strand). VCF-style (leftmost placement, unchanged base first): chr2-136114894-TCA-T. GRCh37 (hg19) VCF-style: chr2-136872464-TCA-T.
Other names: c.1044_1045del, p.Glu349fs (NM_001008540.2); c.1245_1246del, p.Glu416fs (NM_001348056.2); c.1131_1132del, p.Glu378fs (NM_001348059.2); c.987_988del, p.Glu330fs (NM_001348060.2); short protein forms E330fs, E345fs, E349fs, E378fs, E416fs.
Identifiers: ClinVar variation 3902802 (VCV003902802.2).
Genomic context (GRCh38, chr2:136,114,894, plus strand): 5'-ATTTATCGTATAAAAAAAAGTCTTTTACATCTGTGTTAGCTGGAGTGAAAACTTGAAGAC[TCA>T]GACTCAGTGGAAACAGATGAATGTCCACCTCGCTTTCCTTTGGAGAGGATCTTGAGGCTG-3'